The following is an entry in ClinVar:

NM_000045.4(ARG1):c.58-18T>A

Genes: ARG1 (arginase 1; plus strand), MED23 (mediator complex subunit 23; minus strand). Cytogenetic location: 6q23.2.
Variant type: single nucleotide variant.
Coding change: c.58-18T>A on transcript NM_000045.4 (MANE Select); 18 bases into the intron before coding-DNA position 58, T replaced by A.
Molecular consequence: intron variant.
Genome position (GRCh38, 1-based): chr6:131,576,645, T>A. VCF-style: chr6-131576645-T-A. GRCh37 (hg19) VCF-style: chr6-131897785-T-A.
Other names: c.58-18T>A (NM_001244438.2, NM_001369020.1); c.4078-2350A>T (NM_001270521.2); c.4096-2350A>T (NM_015979.4).
Identifiers: ClinVar variation 1998230 (VCV001998230.4), dbSNP rs1562353946, ClinGen allele CA2580075093.

ClinVar aggregate classification (germline): Uncertain significance (1 of 4 stars; one submission).

Conditions:
Arginase deficiency. Also called: ARGININEMIA; ARG1 DEFICIENCY; Arginase 1 Deficiency. Identifiers: Orphanet 90, MedGen C0268548, MONDO:0008814, OMIM 207800.

Submission:

Labcorp Genetics (formerly Invitae), Labcorp
Classification: Uncertain significance for Arginase deficiency. Last evaluated: 2022-05-24. Review status: criteria provided, single submitter. Criteria: Invitae Variant Classification Sherloc (09022015). Collection method: clinical testing. Allele origin: germline.
Comment: Algorithms developed to predict the effect of sequence changes on RNA splicing suggest that this variant may disrupt the consensus splice site. In summary, the available evidence is currently insufficient to determine the role of this variant in disease. Therefore, it has been classified as a Variant of Uncertain Significance. This variant has not been reported in the literature in individuals affected with ARG1-related conditions. This variant is not present in population databases (gnomAD no frequency). This sequence change falls in intron 1 of the ARG1 gene. It does not directly change the encoded amino acid sequence of the ARG1 protein.